The following is an entry in ClinVar:

NM_022124.6(CDH23):c.283_284AG[2] (p.Glu96fs)

Genes: CDH23 (cadherin related 23; plus strand), CDH23-AS1 (CDH23 antisense RNA 1; minus strand). Cytogenetic location: 10q22.1.
Variant type: Microsatellite.
Coding change: c.283_284AG[2] on transcript NM_022124.6 (MANE Select).
Protein change: p.Glu96fs; shifts the reading frame from glutamic acid 96.
Molecular consequence: frameshift variant.
Genome position: GRCh38 VCF-style: chr10-71510218-CAG-C. GRCh37 (hg19) VCF-style: chr10-73269975-CAG-C.
Other names: c.283_284AG[2], p.Glu96fs (NM_001171930.2, NM_001171931.2, NM_001171932.2 and 1 more transcripts); short protein forms E96fs.
Identifiers: ClinVar variation 4816075 (VCV004816075.1).
Genomic context (GRCh38, chr10:71,510,218, plus strand): 5'-CTCTCGCTTCTTTGCAGTGGAGCCTGACACTGGCGTGGTGTGGCTCCGGCAGCCACTGGA[CAG>C]AGAGGTATGACTTGCCCATACCCCTGCCCCAATTCTCTCCTGGGGACAGGAGGAGACACT-3'

ClinVar aggregate classification (germline): Likely pathogenic (1 of 4 stars; one submission).

Conditions:
Usher syndrome type 1 (USH1). Also called: RETINITIS PIGMENTOSA AND CONGENITAL DEAFNESS. Identifiers: Orphanet 231169, Orphanet 886, MedGen C1568247, MONDO:0010168, OMIM 276900.

Submission:

Natera, Inc.
Classification: Likely pathogenic for Usher syndrome type 1. Last evaluated: 2024-07-08. Review status: criteria provided, single submitter. Criteria: Natera Variant Classification Schema (03/2026). Collection method: clinical testing. Allele origin: germline.
Comment: The c.287_288delAG variant in CDH23 is a frameshift variant predicted to shift the reading frame beginning at codon 96 and leads to a stop codon 31 codons downstream. This variant is expected to result in nonsense mediated decay, truncation, or a dysfunctional protein product. This variant is rare in the general population with a frequency below the threshold expected for the associated phenotype(s). Given the available evidence, this variant is classified as Likely Pathogenic.